The following is an entry in ClinVar:

NM_006031.6(PCNT):c.3162C>T (p.His1054=)

Gene: PCNT (pericentrin; plus strand). Cytogenetic location: 21q22.3.
Variant type: single nucleotide variant.
Coding change: c.3162C>T on transcript NM_006031.6 (MANE Select); coding-DNA position 3162, C replaced by T.
Protein change: p.His1054=; no amino-acid change (histidine 1054 retained).
Molecular consequence: synonymous variant.
Genome position (GRCh38, 1-based): chr21:46,367,136, C>T. VCF-style: chr21-46367136-C-T. GRCh37 (hg19) VCF-style: chr21-47787051-C-T.
Other names: c.3162C>T (NM_006031.5); c.2808C>T, p.His936= (NM_001315529.2).
Identifiers: ClinVar variation 2981151 (VCV002981151.5), dbSNP rs1028365505, ClinGen allele CA322006047.

ClinVar aggregate classification (germline): Likely benign. Review status: criteria provided, single submitter (1 of 4 stars). 2 submissions from 2 submitters: Likely benign (1). 1 of the submissions does not count toward it. Last evaluated 2026-01-26.

Conditions:
PCNT-related disorder. Also called: PCNT-related condition.

Allele frequency attached by ClinVar (database versions not stated): gnomAD 0.00001; gnomAD exomes 0.00001; TOPMed 0.00001.
gnomAD v4.1: 12 of 1,611,636 alleles (0.00074%); highest among the groups gnomAD compares: Admixed American, 0.0033%; no homozygotes.

Submissions (2):

Labcorp Genetics (formerly Invitae), Labcorp
Classification: Likely benign. Last evaluated: 2026-01-26. Review status: criteria provided, single submitter. Criteria: Invitae Variant Classification Sherloc (09022015). Collection method: clinical testing. Allele origin: germline.

PreventionGenetics, part of Exact Sciences
Classification: Likely benign for PCNT-related condition. Last evaluated: 2021-12-28. Review status: no assertion criteria provided. Collection method: clinical testing. Allele origin: germline. Not counted in ClinVar's aggregate classification.
Comment: This variant is classified as likely benign based on ACMG/AMP sequence variant interpretation guidelines (Richards et al. 2015 PMID: 25741868, with internal and published modifications).